The following is an entry in ClinVar:

ClinVar aggregate classification (germline): Benign/Likely benign. Review status: criteria provided, multiple submitters, no conflicts (2 of 4 stars). 2 submissions from 2 submitters: Benign (1); Likely benign (1). Last evaluated 2024-10-09.

Conditions:
Familial cancer of breast. Also called: hereditary breast carcinoma; BREAST CANCER, FAMILIAL; Hereditary breast cancer. Identifiers: Orphanet 227535, MedGen C0346153, MONDO:0016419, OMIM 114480. Disease mechanism: loss of function.

Submissions (2):

Myriad Genetics, Inc.
Classification: Benign for Familial cancer of breast. Last evaluated: 2024-10-09. Review status: criteria provided, single submitter. Criteria: Myriad Autosomal Dominant, Autosomal Recessive and X-Linked Classification Criteria (2023). Collection method: clinical testing. Allele origin: unknown.
Comment: This variant is considered benign. This variant is a silent/synonymous amino acid change and it is not expected to impact splicing.

Labcorp Genetics (formerly Invitae), Labcorp
Classification: Likely benign for Familial cancer of breast. Last evaluated: 2023-05-23. Review status: criteria provided, single submitter. Criteria: Invitae Variant Classification Sherloc (09022015). Collection method: clinical testing. Allele origin: germline.

NM_007194.4(CHEK2):c.1590C>A (p.Ala530=)

Gene: CHEK2 (checkpoint kinase 2; minus strand). Cytogenetic location: 22q12.1.
Variant type: single nucleotide variant.
Coding change: c.1590C>A on transcript NM_007194.4 (MANE Select); coding-DNA position 1590, C replaced by A.
Protein change: p.Ala530=; no amino-acid change (alanine 530 retained).
Molecular consequence: synonymous variant.
Genome position (GRCh38, 1-based): chr22:28,687,939, G>T on the plus strand (C>A on the coding strand, the complement: CHEK2 is on the minus strand). VCF-style: chr22-28687939-G-T. GRCh37 (hg19) VCF-style: chr22-29083927-G-T.
Other names: c.1719C>A, p.Ala573= (NM_001005735.3); c.927C>A, p.Ala309= (NM_001257387.3); c.1389C>A, p.Ala463= (NM_001349956.3); c.1503C>A, p.Ala501= (NM_145862.3).
Identifiers: ClinVar variation 1628403 (VCV001628403.10), dbSNP rs786201796, ClinGen allele CA513944657.
Genomic context (GRCh38, chr22:28,687,939, plus strand): 5'-GTGTTCAAACCACGGAGTTCACAACACAGCAGCACACACAGCTGGGCGCTTTGTGGTCTC[G>T]GCACCCTCGGCTTCCCCTTCACGGGGCCGCTTTCGACTAGTAGAAGGCTGAAAATAAAGG-3'
Protein context (NP_009125.1, residues 520-540): KRPREGEAEG[Ala530=]ETTKRPAVCA